The following is an entry in ClinVar:

ClinVar aggregate classification (germline): Uncertain significance (1 of 4 stars; one submission).

Conditions:
Epileptic encephalopathy. Identifiers: MedGen C0543888, HP:0200134.

Allele frequency attached by ClinVar (database versions not stated): TOPMed below 0.00001; gnomAD 0.00001; gnomAD exomes 0.00001.
gnomAD v4.1: 6 of 1,613,260 alleles (0.00037%); highest among the groups gnomAD compares: Admixed American, 0.0017%; no homozygotes.

Submission:

Labcorp Genetics (formerly Invitae), Labcorp
Classification: Uncertain significance for Epileptic encephalopathy. Last evaluated: 2022-02-05. Review status: criteria provided, single submitter. Criteria: Invitae Variant Classification Sherloc (09022015). Collection method: clinical testing. Allele origin: germline.
Comment: In summary, the available evidence is currently insufficient to determine the role of this variant in disease. Therefore, it has been classified as a Variant of Uncertain Significance. Algorithms developed to predict the effect of missense changes on protein structure and function are either unavailable or do not agree on the potential impact of this missense change (SIFT: "Deleterious"; PolyPhen-2: "Benign"; Align-GVGD: "Class C0"). ClinVar contains an entry for this variant (Variation ID: 1009518). This variant has not been reported in the literature in individuals affected with RYR3-related conditions. This variant is present in population databases (no rsID available, gnomAD 0.003%). This sequence change replaces serine, which is neutral and polar, with threonine, which is neutral and polar, at codon 1208 of the RYR3 protein (p.Ser1208Thr).

NM_001036.6(RYR3):c.3623G>C (p.Ser1208Thr)

Gene: RYR3 (ryanodine receptor 3; plus strand). Cytogenetic location: 15q14.
Variant type: single nucleotide variant.
Coding change: c.3623G>C on transcript NM_001036.6 (MANE Select); coding-DNA position 3623, G replaced by C.
Protein change: p.Ser1208Thr; replaces serine 1208 with threonine.
Molecular consequence: missense variant.
Genome position (GRCh38, 1-based): chr15:33,644,377, G>C. VCF-style: chr15-33644377-G-C. GRCh37 (hg19) VCF-style: chr15-33936578-G-C.
Other names: c.3623G>C, p.Ser1208Thr (NM_001243996.4); short protein forms S1208T.
Identifiers: ClinVar variation 1009518 (VCV001009518.10), dbSNP rs1181544618, ClinGen allele CA391576265.